The following is an entry in ClinVar:

NM_000038.6(APC):c.4205C>T (p.Ala1402Val)

Gene: APC (APC regulator of Wnt signaling pathway; plus strand). Cytogenetic location: 5q22.2.
Variant type: single nucleotide variant.
Coding change: c.4205C>T on transcript NM_000038.6 (MANE Select); coding-DNA position 4205, C replaced by T.
Protein change: p.Ala1402Val; replaces alanine 1402 with valine.
Molecular consequence: missense variant. On other transcripts: non-coding transcript variant (2).
Genome position (GRCh38, 1-based): chr5:112,839,799, C>T. VCF-style: chr5-112839799-C-T. GRCh37 (hg19) VCF-style: chr5-112175496-C-T.
Other names: c.4205C>T (NM_000038.5); c.4205C>T, p.Ala1402Val (NM_001127510.3, NM_001354895.2, NM_001407450.1); c.4151C>T, p.Ala1384Val (NM_001127511.3); c.4259C>T, p.Ala1420Val (NM_001354896.2, NM_001407447.1, NM_001407448.1 and 1 more transcripts); c.4235C>T, p.Ala1412Val (NM_001354897.2); c.4130C>T, p.Ala1377Val (NM_001354898.2); c.4121C>T, p.Ala1374Val (NM_001354899.2); c.4082C>T, p.Ala1361Val (NM_001354900.2); and 12 more; short protein forms A1018V, A1242V, A1273V, A1301V, A1377V, A1119V, A1319V, A1361V.
Identifiers: ClinVar variation 2996369 (VCV002996369.4), dbSNP rs2149908948, ClinGen allele CA16030548.

ClinVar aggregate classification (germline): Uncertain significance. Review status: criteria provided, multiple submitters, no conflicts (2 of 4 stars). 2 submissions from 2 submitters: Uncertain significance (2). Last evaluated 2025-03-05.

Conditions:
Familial adenomatous polyposis 1 (FAP1). Also called: FAMILIAL ADENOMATOUS POLYPOSIS 1, ATTENUATED; POLYPOSIS, ADENOMATOUS INTESTINAL. Identifiers: MedGen C2713442, MONDO:0021056, OMIM 175100. Disease mechanism: loss of function.

Submissions (2):

GeneDx
Classification: Uncertain significance. Last evaluated: 2025-03-05. Review status: criteria provided, single submitter. Criteria: GeneDx Variant Classification Process June 2021. Collection method: clinical testing. Allele origin: germline. Affected: yes.
Comment: Not observed at significant frequency in large population cohorts (gnomAD); In silico analysis supports that this missense variant has a deleterious effect on protein structure/function; Has not been previously published as pathogenic or benign to our knowledge; This variant is associated with the following publications: (PMID: 18199528)

Labcorp Genetics (formerly Invitae), Labcorp
Classification: Uncertain significance for Familial adenomatous polyposis 1. Last evaluated: 2023-05-05. Review status: criteria provided, single submitter. Criteria: Invitae Variant Classification Sherloc (09022015). Collection method: clinical testing. Allele origin: germline.
Comment: Advanced modeling of protein sequence and biophysical properties (such as structural, functional, and spatial information, amino acid conservation, physicochemical variation, residue mobility, and thermodynamic stability) performed at Invitae indicates that this missense variant is not expected to disrupt APC protein function. This variant has not been reported in the literature in individuals affected with APC-related conditions. This variant is not present in population databases (gnomAD no frequency). This sequence change replaces alanine, which is neutral and non-polar, with valine, which is neutral and non-polar, at codon 1402 of the APC protein (p.Ala1402Val). In summary, the available evidence is currently insufficient to determine the role of this variant in disease. Therefore, it has been classified as a Variant of Uncertain Significance.